The following is an entry in ClinVar:

NM_031407.7(HUWE1):c.7278G>T (p.Glu2426Asp)

Genes: HUWE1 (HECT, UBA and WWE domain containing E3 ubiquitin protein ligase 1; minus strand), LOC126863262 (MED14-independent group 3 enhancer GRCh37_chrX:53588722-53589921; plus strand). Cytogenetic location: Xp11.22.
Variant type: single nucleotide variant.
Coding change: c.7278G>T on transcript NM_031407.7 (MANE Select); coding-DNA position 7278, G replaced by T.
Protein change: p.Glu2426Asp; replaces glutamic acid 2426 with aspartic acid.
Molecular consequence: missense variant. On other transcripts: intron variant (1).
Genome position (GRCh38, 1-based): chrX:53,562,171, C>A on the plus strand (G>T on the coding strand, the complement: HUWE1 is on the minus strand). VCF-style: chrX-53562171-C-A. GRCh37 (hg19) VCF-style: chrX-53589132-C-A.
Other names: c.7278G>T, p.Glu2426Asp (NM_001441054.1, NM_001441057.1, NM_001441049.1); c.7299G>T, p.Glu2433Asp (NM_001441055.1, NM_001441050.1); c.7275G>T, p.Glu2425Asp (NM_001441056.1, NM_001441058.1, NM_001441048.1 and 2 more transcripts); c.7105+1575G>T (NM_001441052.1); short protein forms E2425D, E2426D, E2433D.
Identifiers: ClinVar variation 4823269 (VCV004823269.4).
Genomic context (GRCh38, chrX:53,562,171, plus strand): 5'-CTGATCATCTTCCTCATCTTCCTCCTCCTCCTCCTCTTCATCCTGACTATCATCCTCATC[C>A]TCGTTACTGCCACTGCTGTCCTCTTCCTGAGTGTGCTCCTCCTCATCCTCAGGGTCCAGG-3'
Protein context (NP_113584.3, residues 2416-2436): TQEEDSSGSN[Glu2426Asp]DEDDSQDEEE

ClinVar aggregate classification (germline): Uncertain significance (1 of 4 stars; one submission).

Submission:

CeGaT Center for Human Genetics Tuebingen
Classification: Uncertain significance. Last evaluated: 2026-02-01. Review status: criteria provided, single submitter. Criteria: CeGaT Center For Human Genetics Tuebingen Variant Classification Criteria Version 2. Collection method: clinical testing. Allele origin: germline. Affected: yes. Observed: 1 variant allele.
Comment: HUWE1: PM2, PP4